The following is an entry in ClinVar:

NM_005219.5(DIAPH1):c.3273+19A>T

Gene: DIAPH1 (diaphanous related formin 1; minus strand). Cytogenetic location: 5q31.3.
Variant type: single nucleotide variant.
Coding change: c.3273+19A>T on transcript NM_005219.5 (MANE Select); 19 bases into the intron after coding-DNA position 3273, A replaced by T.
Molecular consequence: intron variant.
Genome position (GRCh38, 1-based): chr5:141,527,554, T>A on the plus strand (A>T on the coding strand, the complement: DIAPH1 is on the minus strand). VCF-style: chr5-141527554-T-A. GRCh37 (hg19) VCF-style: chr5-140907121-T-A.
Other names: c.3246+19A>T (NM_001079812.3); c.3273+19A>T (NM_001314007.2).
Identifiers: ClinVar variation 2922923 (VCV002922923.3), dbSNP rs371341914, ClinGen allele CA3478826.

ClinVar aggregate classification (germline): Uncertain significance (1 of 4 stars; one submission).

Conditions:
Progressive microcephaly-seizures-cortical blindness-developmental delay syndrome. Also called: Seizures, cortical blindness, and microcephaly syndrome. Identifiers: Orphanet 477814, MedGen C5567650, MONDO:0014714, OMIM 616632.
Autosomal dominant nonsyndromic hearing loss 1. Also called: DEAFNESS, AUTOSOMAL DOMINANT 1, WITH OR WITHOUT THROMBOCYTOPENIA; KONIGSMARK SYNDROME. Identifiers: Orphanet 90635, MedGen C1852282, MONDO:0007424, OMIM 124900.

Allele frequency attached by ClinVar (database versions not stated): ExAC 0.00001; gnomAD 0.00001; TOPMed 0.00001; ESP Exome Variant Server 0.00008.
gnomAD v4.1: 2 of 1,613,422 alleles (0.00012%); highest among the groups gnomAD compares: African/African-American, 0.0013%; no homozygotes.

Submission:

Labcorp Genetics (formerly Invitae), Labcorp
Classification: Uncertain significance for Progressive microcephaly-seizures-cortical blindness-developmental delay syndrome; Autosomal dominant nonsyndromic hearing loss 1. Last evaluated: 2023-06-18. Review status: criteria provided, single submitter. Criteria: Invitae Variant Classification Sherloc (09022015). Collection method: clinical testing. Allele origin: germline.
Comment: This variant has not been reported in the literature in individuals affected with DIAPH1-related conditions. This variant is present in population databases (rs371341914, gnomAD 0.0009%). This sequence change falls in intron 24 of the DIAPH1 gene. It does not directly change the encoded amino acid sequence of the DIAPH1 protein. Algorithms developed to predict the effect of sequence changes on RNA splicing suggest that this variant may disrupt the consensus splice site. In summary, the available evidence is currently insufficient to determine the role of this variant in disease. Therefore, it has been classified as a Variant of Uncertain Significance.